The following is an entry in ClinVar:

ClinVar aggregate classification (germline): Uncertain significance (1 of 4 stars; one submission).

Conditions:
Kabuki syndrome. Also called: NIIKAWA-KUROKI SYNDROME; Kabuki make-up syndrome. Identifiers: Orphanet 2322, MedGen C0796004, MONDO:0016512.

Submission:

Labcorp Genetics (formerly Invitae), Labcorp
Classification: Uncertain significance for Kabuki syndrome. Last evaluated: 2022-07-01. Review status: criteria provided, single submitter. Criteria: Invitae Variant Classification Sherloc (09022015). Collection method: clinical testing. Allele origin: germline.
Comment: In summary, the available evidence is currently insufficient to determine the role of this variant in disease. Therefore, it has been classified as a Variant of Uncertain Significance. Experimental studies and prediction algorithms are not available or were not evaluated, and the functional significance of this variant is currently unknown. This variant has not been reported in the literature in individuals affected with KMT2D-related conditions. This variant is not present in population databases (gnomAD no frequency). This variant, c.11715_11732del, results in the deletion of 6 amino acid(s) of the KMT2D protein (p.Leu3912_Gln3917del), but otherwise preserves the integrity of the reading frame.

NM_003482.4(KMT2D):c.11715_11732del (p.3900LQQQQQ[2])

Gene: KMT2D (lysine methyltransferase 2D; minus strand). Cytogenetic location: 12q13.12.
Variant type: Deletion.
Coding change: c.11715_11732del on transcript NM_003482.4 (MANE Select); coding-DNA positions 11715 to 11732, 18 bases deleted (GCTGCAACAGCAACAGCA).
Protein change: p.3900LQQQQQ[2].
Molecular consequence: inframe deletion.
Genome position (GRCh38, 1-based): chr12:49,032,973-49,032,990, TGCTGTTGCTGTTGCAGC deleted on the plus strand (GCTGCAACAGCAACAGCA on the coding strand, the reverse complement: KMT2D is on the minus strand); deleting any 18 consecutive bases within chr12:49,032,973-49,032,995 gives the same sequence; the c. name uses the placement nearest the transcript's 3' end. VCF-style (leftmost placement, unchanged base first): chr12-49032972-TTGCTGTTGCTGTTGCAGC-T. GRCh37 (hg19) VCF-style: chr12-49426755-TTGCTGTTGCTGTTGCAGC-T.
Identifiers: ClinVar variation 1932841 (VCV001932841.5), dbSNP rs1311060952, ClinGen allele CA689537888.